The following is an entry in ClinVar:

ClinVar aggregate classification (germline): Benign/Likely benign. Review status: criteria provided, multiple submitters, no conflicts (2 of 4 stars). 2 submissions from 2 submitters: Benign (1); Likely benign (1). Last evaluated 2025-05-01.

Conditions:
Early-infantile DEE. Also called: Early infantile epileptic encephalopathy with suppression bursts; Ohtahara syndrome; Early infantile epileptic encephalopathy. Identifiers: Orphanet 1934, MedGen C0393706, MONDO:0800491.

Allele frequency attached by ClinVar (database versions not stated): gnomAD 0.00001; gnomAD exomes 0.00001 and 0.00002; ExAC 0.00002; TOPMed 0.00002.
gnomAD v4.1: 5 of 1,605,672 alleles (0.00031%); highest among the groups gnomAD compares: Admixed American, 0.005%; no homozygotes.

Submissions (2):

Labcorp Genetics (formerly Invitae), Labcorp
Classification: Likely benign for Early-infantile DEE. Last evaluated: 2025-05-01. Review status: criteria provided, single submitter. Criteria: Invitae Variant Classification Sherloc (09022015). Collection method: clinical testing. Allele origin: germline.

GeneDx
Classification: Benign. Last evaluated: 2013-04-03. Review status: criteria provided, single submitter. Criteria: GeneDx Variant Classification (06012015). Collection method: clinical testing. Allele origin: germline. Affected: yes.
Comment: This variant is considered likely benign or benign based on one or more of the following criteria: it is a conservative change, it occurs at a poorly conserved position in the protein, it is predicted to be benign by multiple in silico algorithms, and/or has population frequency not consistent with disease.

NM_001165963.4(SCN1A):c.4386C>T (p.Tyr1462=)

Genes: SCN1A (sodium voltage-gated channel alpha subunit 1; minus strand), LOC102724058 (uncharacterized LOC102724058; plus strand). Cytogenetic location: 2q24.3.
Variant type: single nucleotide variant.
Coding change: c.4386C>T on transcript NM_001165963.4 (MANE Select); coding-DNA position 4386, C replaced by T.
Protein change: p.Tyr1462=; no amino-acid change (tyrosine 1462 retained).
Molecular consequence: synonymous variant. On other transcripts: non-coding transcript variant (1).
Genome position (GRCh38, 1-based): chr2:165,998,128, G>A on the plus strand (C>T on the coding strand, the complement: SCN1A is on the minus strand). VCF-style: chr2-165998128-G-A. GRCh37 (hg19) VCF-style: chr2-166854638-G-A.
Other names: p.Y1462Y:TAC>TAT; c.4302C>T, p.Tyr1434= (NM_001165964.3, NM_001353957.2, NM_001353958.2); c.4386C>T, p.Tyr1462= (NM_001202435.3, NM_001353948.2); c.4353C>T, p.Tyr1451= (NM_001353949.2, NM_001353950.2, NM_001353951.2 and 2 more transcripts); c.4350C>T, p.Tyr1450= (NM_001353954.2, NM_001353955.2); c.4299C>T, p.Tyr1433= (NM_001353960.2); c.1944C>T, p.Tyr648= (NM_001353961.2).
Identifiers: ClinVar variation 138981 (VCV000138981.10), dbSNP rs587781146, ClinGen allele CA293184.